The following is an entry in ClinVar:

ClinVar aggregate classification (germline): Uncertain significance (1 of 4 stars; one submission).

Conditions:
Aortic valve disease 1 (AOVD1). Identifiers: MedGen C3887892, MONDO:0024523, OMIM 109730.
Adams-Oliver syndrome 5 (AOS5). Identifiers: Orphanet 974, MedGen C4014970, MONDO:0014459, OMIM 616028.

Submission:

Juno Genomics, Hangzhou Juno Genomics, Inc
Classification: Uncertain significance for Adams-Oliver syndrome 5; Aortic valve disease 1. Review status: criteria provided, single submitter. Criteria: ACMG Guidelines, 2015. Collection method: clinical testing. Allele origin: germline.
Comment: Absent from controls (or at extremely low frequency if recessive) in Genome Aggregation Database.;Missense variant in a gene that has a low rate of benign missense variation.

NM_017617.5(NOTCH1):c.630C>G (p.His210Gln)

Gene: NOTCH1 (notch receptor 1; minus strand). Cytogenetic location: 9q34.3.
Variant type: single nucleotide variant.
Coding change: c.630C>G on transcript NM_017617.5 (MANE Select); coding-DNA position 630, C replaced by G.
Protein change: p.His210Gln; replaces histidine 210 with glutamine.
Molecular consequence: missense variant.
Genome position (GRCh38, 1-based): chr9:136,522,962, G>C on the plus strand (C>G on the coding strand, the complement: NOTCH1 is on the minus strand). VCF-style: chr9-136522962-G-C. GRCh37 (hg19) VCF-style: chr9-139417414-G-C.
Other names: short protein forms H210Q.
Identifiers: ClinVar variation 5007422 (VCV005007422.2).